The following is an entry in ClinVar:

NM_005732.4(RAD50):c.646T>C (p.Tyr216His)

Gene: RAD50 (RAD50 double strand break repair protein; plus strand). Cytogenetic location: 5q31.1.
Variant type: single nucleotide variant.
Coding change: c.646T>C on transcript NM_005732.4 (MANE Select); coding-DNA position 646, T replaced by C.
Protein change: p.Tyr216His; replaces tyrosine 216 with histidine.
Molecular consequence: missense variant.
Genome position (GRCh38, 1-based): chr5:132,579,956, T>C. VCF-style: chr5-132579956-T-C. GRCh37 (hg19) VCF-style: chr5-131915648-T-C.
Other names: short protein forms Y216H.
Identifiers: ClinVar variation 3942186 (VCV003942186.1).

ClinVar aggregate classification (germline): Uncertain significance (1 of 4 stars; one submission).

Conditions:
Hereditary cancer-predisposing syndrome. Also called: Tumor predisposition; Hereditary neoplastic syndrome; Hereditary Cancer Syndrome; Neoplastic Syndromes, Hereditary. Identifiers: Orphanet 140162, MedGen C0027672, MeSH D009386, MONDO:0015356.

Submission:

Ambry Genetics
Classification: Uncertain significance for Hereditary cancer-predisposing syndrome. Last evaluated: 2025-05-04. Review status: criteria provided, single submitter. Criteria: Ambry Variant Classification Scheme 2023. Collection method: clinical testing. Allele origin: germline.
Comment: The p.Y216H variant (also known as c.646T>C), located in coding exon 5 of the RAD50 gene, results from a T to C substitution at nucleotide position 646. The tyrosine at codon 216 is replaced by histidine, an amino acid with similar properties. This amino acid position is conserved. In addition, this alteration is predicted to be tolerated by in silico analysis. Based on the available evidence, the clinical significance of this variant remains unclear.